The following is an entry in ClinVar:

ClinVar aggregate classification (germline): Uncertain significance (1 of 4 stars; one submission).

Conditions:
Myofibrillar myopathy 4. Also called: Zaspopathy (type). Identifiers: Orphanet 98912, MedGen C4721886, MONDO:0012277, OMIM 609452.

Submission:

Labcorp Genetics (formerly Invitae), Labcorp
Classification: Uncertain significance for Myofibrillar myopathy 4. Last evaluated: 2023-11-27. Review status: criteria provided, single submitter. Criteria: Invitae Variant Classification Sherloc (09022015). Collection method: clinical testing. Allele origin: germline.
Comment: The LDB3 gene has multiple clinically relevant transcripts. This variant occurs in alternate transcript NM_007078.3, and corresponds to NM_001080116.1:c.*26839C>T in the primary transcript. This sequence change affects codon 685 of the LDB3 mRNA. It is a 'silent' change, meaning that it does not change the encoded amino acid sequence of the LDB3 protein. This variant is not present in population databases (gnomAD no frequency). This variant has not been reported in the literature in individuals affected with LDB3-related conditions. Experimental studies and prediction algorithms are not available or were not evaluated, and the effect of this variant on mRNA splicing is currently unknown. In summary, the available evidence is currently insufficient to determine the role of this variant in disease. Therefore, it has been classified as a Variant of Uncertain Significance.

NM_007078.3(LDB3):c.2055C>T (p.Ala685=)

Gene: LDB3 (LIM domain binding 3; plus strand). Cytogenetic location: 10q23.2.
Variant type: single nucleotide variant.
Coding change: c.2055C>T on transcript NM_007078.3 (MANE Select); coding-DNA position 2055, C replaced by T.
Protein change: p.Ala685=; no amino-acid change (alanine 685 retained).
Molecular consequence: synonymous variant.
Genome position (GRCh38, 1-based): chr10:86,726,213, C>T. VCF-style: chr10-86726213-C-T. GRCh37 (hg19) VCF-style: chr10-88485970-C-T.
Other names: c.1725C>T, p.Ala575= (NM_001080114.2); c.2070C>T, p.Ala690= (NM_001171610.2); c.1866C>T, p.Ala622= (NM_001368064.1, NM_001368065.1); c.1914C>T, p.Ala638= (NM_001368066.1).
Identifiers: ClinVar variation 2767907 (VCV002767907.3), dbSNP rs2492851122, ClinGen allele CA470309639.